The following is an entry in ClinVar:

ClinVar aggregate classification (germline): Uncertain significance (1 of 4 stars; one submission).

Conditions:
3-hydroxy-3-methylglutaryl-CoA synthase deficiency (HMGCS2D). Also called: HMG-CoA synthase-2 deficiency; HMGCS2 DEFICIENCY; MITOCHONDRIAL HMG-CoA SYNTHASE DEFICIENCY. Identifiers: Orphanet 35701, MedGen C2751532, MONDO:0011614, OMIM 605911.

Submission:

Labcorp Genetics (formerly Invitae), Labcorp
Classification: Uncertain significance for 3-hydroxy-3-methylglutaryl-CoA synthase deficiency. Last evaluated: 2021-11-23. Review status: criteria provided, single submitter. Criteria: Invitae Variant Classification Sherloc (09022015). Collection method: clinical testing. Allele origin: germline.
Comment: Algorithms developed to predict the effect of missense changes on protein structure and function are either unavailable or do not agree on the potential impact of this missense change (SIFT: "Deleterious"; PolyPhen-2: "Probably Damaging"; Align-GVGD: "Class C0"). This variant has not been reported in the literature in individuals affected with HMGCS2-related conditions. This variant is not present in population databases (gnomAD no frequency). This sequence change replaces methionine, which is neutral and non-polar, with isoleucine, which is neutral and non-polar, at codon 93 of the HMGCS2 protein (p.Met93Ile). In summary, the available evidence is currently insufficient to determine the role of this variant in disease. Therefore, it has been classified as a Variant of Uncertain Significance.

NM_005518.4(HMGCS2):c.279G>A (p.Met93Ile)

Gene: HMGCS2 (3-hydroxy-3-methylglutaryl-CoA synthase 2; minus strand). Cytogenetic location: 1p12.
Variant type: single nucleotide variant.
Coding change: c.279G>A on transcript NM_005518.4 (MANE Select); coding-DNA position 279, G replaced by A.
Protein change: p.Met93Ile; replaces methionine 93 with isoleucine.
Molecular consequence: missense variant.
Genome position (GRCh38, 1-based): chr1:119,764,452, C>T on the plus strand (G>A on the coding strand, the complement: HMGCS2 is on the minus strand). VCF-style: chr1-119764452-C-T. GRCh37 (hg19) VCF-style: chr1-120307075-C-T.
Other names: c.279G>A, p.Met93Ile (NM_001166107.1); short protein forms M93I.
Identifiers: ClinVar variation 1464047 (VCV001464047.6), dbSNP rs1557994090, ClinGen allele CA341866452.